The following is an entry in ClinVar:

ClinVar aggregate classification (germline): Uncertain significance. Review status: criteria provided, multiple submitters, no conflicts (2 of 4 stars). 2 submissions from 2 submitters: Uncertain significance (2). Last evaluated 2025-06-09.

Conditions:
Rhabdoid tumor predisposition syndrome 2 (RTPS2). Identifiers: Orphanet 231108, Orphanet 69077, MedGen C2750074, MONDO:0013224, OMIM 613325.
Hereditary cancer-predisposing syndrome. Also called: Neoplastic Syndromes, Hereditary; Hereditary neoplastic syndrome; Tumor predisposition; Hereditary Cancer Syndrome. Identifiers: Orphanet 140162, MedGen C0027672, MeSH D009386, MONDO:0015356.

Submissions (2):

Ambry Genetics
Classification: Uncertain significance for Hereditary cancer-predisposing syndrome. Last evaluated: 2025-06-09. Review status: criteria provided, single submitter. Criteria: Ambry Variant Classification Scheme 2023. Collection method: clinical testing. Allele origin: germline.
Comment: The p.D1499E variant (also known as c.4497T>A), located in coding exon 30 of the SMARCA4 gene, results from a T to A substitution at nucleotide position 4497. The aspartic acid at codon 1499 is replaced by glutamic acid, an amino acid with highly similar properties. This amino acid position is conserved. In addition, this alteration is predicted to be tolerated by in silico analysis. Based on the available evidence, the clinical significance of this variant remains unclear.

Labcorp Genetics (formerly Invitae), Labcorp
Classification: Uncertain significance for Rhabdoid tumor predisposition syndrome 2. Last evaluated: 2022-05-19. Review status: criteria provided, single submitter. Criteria: Invitae Variant Classification Sherloc (09022015). Collection method: clinical testing. Allele origin: germline.
Comment: This sequence change replaces aspartic acid, which is acidic and polar, with glutamic acid, which is acidic and polar, at codon 1499 of the SMARCA4 protein (p.Asp1499Glu). This variant is not present in population databases (gnomAD no frequency). This variant has not been reported in the literature in individuals affected with SMARCA4-related conditions. Algorithms developed to predict the effect of missense changes on protein structure and function are either unavailable or do not agree on the potential impact of this missense change (SIFT: "Deleterious"; PolyPhen-2: "Benign"; Align-GVGD: "Class C35"). In summary, the available evidence is currently insufficient to determine the role of this variant in disease. Therefore, it has been classified as a Variant of Uncertain Significance.

NM_003072.5(SMARCA4):c.4401T>A (p.Asp1467Glu)

Gene: SMARCA4 (SWI/SNF related BAF chromatin remodeling complex subunit ATPase 4; plus strand). Cytogenetic location: 19p13.2.
Variant type: single nucleotide variant.
Coding change: c.4401T>A on transcript NM_003072.5 (MANE Select); coding-DNA position 4401, T replaced by A.
Protein change: p.Asp1467Glu; replaces aspartic acid 1467 with glutamic acid.
Molecular consequence: missense variant. On other transcripts: non-coding transcript variant (1).
Genome position (GRCh38, 1-based): chr19:11,041,537, T>A. VCF-style: chr19-11041537-T-A. GRCh37 (hg19) VCF-style: chr19-11152213-T-A.
Other names: c.4401T>A, p.Asp1467Glu (NM_001128844.3); c.4311T>A, p.Asp1437Glu (NM_001128845.2, NM_001128846.2); c.4302T>A, p.Asp1434Glu (NM_001128847.4, NM_001128848.2, NM_001374457.1); c.4497T>A, p.Asp1499Glu (NM_001128849.3, NM_001387283.1); c.4398T>A, p.Asp1466Glu (NM_001411150.1); c.4497T>A (NM_001128849.1); short protein forms D1466E, D1437E, D1467E, D1499E, D1434E.
Identifiers: ClinVar variation 1996478 (VCV001996478.5), dbSNP rs2515496703, ClinGen allele CA404074155.
Genomic context (GRCh38, chr19:11,041,537, plus strand): 5'-TGCCGAGAAACTCTCCCCTAACCCACCCAACCTCACCAAGAAGATGAAGAAGATTGTGGA[T>A]GCCGTGATCAAGTACAAGGACAGGTAAGCGAGGAGGCGGGGAGGGCGGGGGCTGTAGGGG-3'
Protein context (NP_003063.2, residues 1457-1477): NLTKKMKKIV[Asp1467Glu]AVIKYKDSSS